The following is an entry in ClinVar:

NM_004006.3(DMD):c.7066C>T (p.Gln2356Ter)

Gene: DMD (dystrophin; minus strand). Cytogenetic location: Xp21.1.
Variant type: single nucleotide variant.
Coding change: c.7066C>T on transcript NM_004006.3 (MANE Select); coding-DNA position 7066, C replaced by T.
Protein change: p.Gln2356Ter; replaces glutamine 2356 with a stop codon.
Molecular consequence: nonsense. On other transcripts: 5 prime UTR variant (5).
Genome position (GRCh38, 1-based): chrX:31,875,220, G>A on the plus strand (C>T on the coding strand, the complement: DMD is on the minus strand). VCF-style: chrX-31875220-G-A. GRCh37 (hg19) VCF-style: chrX-31893337-G-A.
Other names: c.7042C>T, p.Gln2348Ter (NM_000109.4); c.7054C>T, p.Gln2352Ter (NM_004009.3); c.6697C>T, p.Gln2233Ter (NM_004010.3); c.3043C>T, p.Gln1015Ter (NM_004011.4); c.3034C>T, p.Gln1012Ter (NM_004012.4); c.-315C>T (NM_004013.3, NM_004020.4, NM_004021.3 and 2 more transcripts); short protein forms Q1012*, Q2348*, Q2356*, Q1015*, Q2352*, Q2233*.
Identifiers: ClinVar variation 640322 (VCV000640322.2), dbSNP rs1603513684, ClinGen allele CA412659927.

ClinVar aggregate classification (germline): Pathogenic. Review status: criteria provided, multiple submitters, no conflicts (2 of 4 stars). 2 submissions from 2 submitters: Pathogenic (2). Last evaluated 2025-03-17.

Conditions:
Duchenne muscular dystrophy (DMD). Also called: MUSCULAR DYSTROPHY, PSEUDOHYPERTROPHIC PROGRESSIVE, DUCHENNE TYPE; Duchenne Muscular Dystrophy (DMD). Identifiers: Orphanet 98896, MedGen C0013264, MONDO:0010679, OMIM 310200.

Submissions (2):

Revvity Omics, Revvity
Classification: Pathogenic. Last evaluated: 2025-03-17. Review status: criteria provided, single submitter. Criteria: ACMG Guidelines, 2015. Collection method: clinical testing. Allele origin: germline.

Labcorp Genetics (formerly Invitae), Labcorp
Classification: Pathogenic for Duchenne muscular dystrophy. Last evaluated: 2018-09-24. Review status: criteria provided, single submitter. Criteria: Invitae Variant Classification Sherloc (09022015). Collection method: clinical testing. Allele origin: germline.
Comment: This sequence change creates a premature translational stop signal (p.Gln2356*) in the DMD gene. It is expected to result in an absent or disrupted protein product. This variant is not present in population databases (ExAC no frequency). This variant has not been reported in the literature in individuals with DMD-related disease. Loss-of-function variants in DMD are known to be pathogenic (PMID: 16770791, 25007885). For these reasons, this variant has been classified as Pathogenic.